The following is an entry in ClinVar:

NM_024753.5(TTC21B):c.21+3_21+4insGGTGCGCGGGTGAGCG

Gene: TTC21B (tetratricopeptide repeat domain 21B; minus strand). Cytogenetic location: 2q24.3.
Variant type: Insertion.
Coding change: c.21+3_21+4insGGTGCGCGGGTGAGCG on transcript NM_024753.5 (MANE Select); bases 3 to 4 of the intron after coding-DNA position 21, GGTGCGCGGGTGAGCG inserted.
Molecular consequence: splice donor variant.
Genome position: GRCh38 VCF-style: chr2-165953681-T-TCACCCGCTCACCCGCG. GRCh37 (hg19) VCF-style: chr2-166810191-T-TCACCCGCTCACCCGCG.
Identifiers: ClinVar variation 4996503 (VCV004996503.1).

ClinVar aggregate classification (germline): Uncertain significance (1 of 4 stars; one submission).

Conditions:
TTC21B-related disorder. Also called: TTC21B-related disorders; TTC21B-related condition.

Submission:

PreventionGenetics, part of Exact Sciences
Classification: Uncertain significance for TTC21B-related condition. Last evaluated: 2025-11-13. Review status: criteria provided, single submitter. Criteria: ACMG Guidelines, 2015. Collection method: clinical testing. Allele origin: germline.
Comment: The TTC21B c.21+3_21+4insCGCGGGTGAGCGGGTG variant is predicted to result in an in-frame amino acid insertion (Intronic). This variant is predicted to impact splicing based on available splicing prediction programs (SpliceAI, Jaganathan et al. 2019. PubMed ID: 30661751). To our knowledge, this variant has not been reported in the literature or in a large population database (gnomAD), indicating this variant is rare. At this time, the clinical significance of this variant is uncertain due to the absence of conclusive functional and genetic evidence.